The following is an entry in ClinVar:

NM_005732.4(RAD50):c.757-2A>G

Gene: RAD50 (RAD50 double strand break repair protein; plus strand). Cytogenetic location: 5q31.1.
Variant type: single nucleotide variant.
Coding change: c.757-2A>G on transcript NM_005732.4 (MANE Select); the canonical splice acceptor site of the intron before coding-DNA position 757, A replaced by G.
Molecular consequence: splice acceptor variant.
Genome position (GRCh38, 1-based): chr5:132,587,560, A>G. VCF-style: chr5-132587560-A-G. GRCh37 (hg19) VCF-style: chr5-131923252-A-G.
Identifiers: ClinVar variation 2769723 (VCV002769723.3), dbSNP rs2479631522, ClinGen allele CA360939970.

ClinVar aggregate classification (germline): Uncertain significance (1 of 4 stars; one submission).

Conditions:
Hereditary cancer-predisposing syndrome. Also called: Hereditary neoplastic syndrome; Hereditary Cancer Syndrome; Neoplastic Syndromes, Hereditary; Tumor predisposition. Identifiers: Orphanet 140162, MedGen C0027672, MeSH D009386, MONDO:0015356.

Submission:

Labcorp Genetics (formerly Invitae), Labcorp
Classification: Uncertain significance for Hereditary cancer-predisposing syndrome. Last evaluated: 2025-11-05. Review status: criteria provided, single submitter. Criteria: Invitae Variant Classification Sherloc (09022015). Collection method: clinical testing. Allele origin: germline.
Comment: This sequence change affects an acceptor splice site in intron 5 of the RAD50 gene. RNA analysis indicates that disruption of this splice site induces altered splicing and likely results in a shortened protein product. This variant is not present in population databases (gnomAD no frequency). This variant has not been reported in the literature in individuals affected with RAD50-related conditions. ClinVar contains an entry for this variant (Variation ID: 2769723). Studies have shown that disruption of this splice site results in skipping of exon 6, but is expected to preserve the integrity of the reading-frame (internal data). In summary, the available evidence is currently insufficient to determine the role of this variant in disease. Therefore, it has been classified as a Variant of Uncertain Significance.